The following is an entry in ClinVar:

ClinVar aggregate classification (germline): Uncertain significance (1 of 4 stars; one submission).

Conditions:
Familial focal epilepsy with variable foci (FPEVF). Identifiers: Orphanet 98820, MedGen C1858477, MONDO:0020310.

Submission:

Labcorp Genetics (formerly Invitae), Labcorp
Classification: Uncertain significance for Familial focal epilepsy with variable foci. Last evaluated: 2022-05-06. Review status: criteria provided, single submitter. Criteria: Invitae Variant Classification Sherloc (09022015). Collection method: clinical testing. Allele origin: germline.
Comment: In summary, the available evidence is currently insufficient to determine the role of this variant in disease. Therefore, it has been classified as a Variant of Uncertain Significance. Algorithms developed to predict the effect of missense changes on protein structure and function are either unavailable or do not agree on the potential impact of this missense change (SIFT: "Tolerated"; PolyPhen-2: "Not Available"; Align-GVGD: "Class C0"). This variant has not been reported in the literature in individuals affected with DEPDC5-related conditions. This variant is not present in population databases (gnomAD no frequency). This sequence change replaces glutamine, which is neutral and polar, with lysine, which is basic and polar, at codon 1057 of the DEPDC5 protein (p.Gln1057Lys).

NM_001242896.3(DEPDC5):c.3169C>A (p.Gln1057Lys)

Gene: DEPDC5 (DEP domain containing 5, GATOR1 subcomplex subunit; plus strand). Cytogenetic location: 22q12.3.
Variant type: single nucleotide variant.
Coding change: c.3169C>A on transcript NM_001242896.3 (MANE Select); coding-DNA position 3169, C replaced by A.
Protein change: p.Gln1057Lys; replaces glutamine 1057 with lysine.
Molecular consequence: missense variant. On other transcripts: non-coding transcript variant (5).
Genome position (GRCh38, 1-based): chr22:31,857,458, C>A. VCF-style: chr22-31857458-C-A. GRCh37 (hg19) VCF-style: chr22-32253444-C-A.
Other names: c.3142C>A, p.Gln1048Lys (NM_001136029.4, NM_001369903.1, NM_014662.6); c.2935C>A, p.Gln979Lys (NM_001242897.2, NM_001363854.2, NM_001364319.2); c.3169C>A, p.Gln1057Lys (NM_001363852.2, NM_001364318.2, NM_001364320.2); c.3085C>A, p.Gln1029Lys (NM_001369901.1, NM_001369902.1); short protein forms Q1029K, Q979K, Q1048K, Q1057K.
Identifiers: ClinVar variation 2155400 (VCV002155400.4), dbSNP rs1602471069, ClinGen allele CA411293705.